The following is an entry in ClinVar:

NM_018051.5(DYNC2I1):c.629_630delinsGC (p.Glu210Gly)

Gene: DYNC2I1 (dynein 2 intermediate chain 1; plus strand). Cytogenetic location: 7q36.3.
Variant type: Indel.
Coding change: c.629_630delinsGC on transcript NM_018051.5 (MANE Select); coding-DNA positions 629 to 630, AA replaced by GC.
Protein change: p.Glu210Gly; replaces glutamic acid 210 with glycine.
Molecular consequence: missense variant. On other transcripts: 5 prime UTR variant (3).
Genome position (GRCh38, 1-based): chr7:158,879,739-158,879,740, AA replaced by GC. VCF-style: chr7-158879739-AA-GC. GRCh37 (hg19) VCF-style: chr7-158672430-AA-GC.
Other names: c.491_492delinsGC, p.Glu164Gly (NM_001350914.2); c.112_113delinsGC, p.Lys38Ala (NM_001350915.2); c.-730_-729delinsGC (NM_001350916.2); c.-738_-737delinsGC (NM_001350917.2); c.-857_-856delinsGC (NM_001350918.2); short protein forms E164G, E210G, K38A.
Identifiers: ClinVar variation 2720610 (VCV002720610.3), dbSNP rs2535897125, ClinGen allele CA2697549725.
Genomic context (GRCh38, chr7:158,879,739, plus strand): 5'-TACAGCTGCAGTACGGAGACAGCAAGGACAACCCTCTCAAGTACTGGCTTTATAAAGAAG[AA>GC]GGCGAGAGGAGACACAGGAAGCCCAGAGAGCCAGATCGAGACAACAAACACCGAGAAAAA-3'
Protein context (NP_060521.4, residues 200-220): NPLKYWLYKE[Glu210Gly]GERRHRKPRE

ClinVar aggregate classification (germline): Uncertain significance (1 of 4 stars; one submission).

Conditions:
Short-rib thoracic dysplasia 8 with or without polydactyly (SRTD8). Also called: SHORT-RIB THORACIC DYSPLASIA 8 WITH POLYDACTYLY. Identifiers: Orphanet 93271, MedGen C3809691, MONDO:0014214, OMIM 615503.

Submission:

Labcorp Genetics (formerly Invitae), Labcorp
Classification: Uncertain significance for Short-rib thoracic dysplasia 8 with or without polydactyly. Last evaluated: 2024-03-12. Review status: criteria provided, single submitter. Criteria: Invitae Variant Classification Sherloc (09022015). Collection method: clinical testing. Allele origin: germline.
Comment: This sequence change replaces glutamic acid, which is acidic and polar, with glycine, which is neutral and non-polar, at codon 210 of the WDR60 protein (p.Glu210Gly). This variant is present in population databases (no rsID available, gnomAD 0.002%). This variant has not been reported in the literature in individuals affected with WDR60-related conditions. An algorithm developed to predict the effect of missense changes on protein structure and function (PolyPhen-2) suggests that this variant is likely to be disruptive. In summary, the available evidence is currently insufficient to determine the role of this variant in disease. Therefore, it has been classified as a Variant of Uncertain Significance.